The following is an entry in ClinVar:

ClinVar aggregate classification (germline): Pathogenic/Likely pathogenic. Review status: criteria provided, multiple submitters, no conflicts (2 of 4 stars). 22 submissions from 21 submitters: Pathogenic (16); Likely pathogenic (2). 4 of the submissions do not count toward it. Last evaluated 2026-08-03.

Conditions:
Developmental delay, impaired growth, dysmorphic facies, and axonal neuropathy. Identifiers: MedGen C5436781, MONDO:0030835, OMIM 619090.
MORC2-related disorder. Also called: MORC2-related condition.
Charcot-Marie-Tooth disease axonal type 2Z. Also called: CHARCOT-MARIE-TOOTH DISEASE, AXONAL, AUTOSOMAL DOMINANT, TYPE 2Z; CHARCOT-MARIE-TOOTH NEUROPATHY, TYPE 2Z. Identifiers: Orphanet 466768, MedGen C5569025, MONDO:0014736, OMIM 616688.
Charcot-Marie-Tooth disease. Also called: Charcot-Marie-Tooth Neuropathy; Charcot-Marie-Tooth Hereditary Neuropathy. Identifiers: Orphanet 166, MedGen C0007959, MONDO:0015626.
Inborn genetic diseases. Identifiers: MedGen C0950123, MeSH D030342.
Distal spinal muscular atrophy. Also called: Distal hereditary motor neuropathy; Distal hereditary motor neuronopathy. Identifiers: Orphanet 53739, MedGen C0393541, MONDO:0018894.

Submissions 1 to 12 of 22:

Genelabs Medical  (pvt) Ltd
Classification: Pathogenic for Charcot-Marie-Tooth disease axonal type 2Z. Last evaluated: 2026-08-03. Review status: criteria provided, single submitter. Criteria: ACMG Guidelines, 2015. Collection method: clinical testing. Allele origin: germline. Inheritance: Autosomal dominant inheritance. Affected: yes. Observed: 1 heterozygote.
Comment: The missense variant NM_001303256.3(MORC2):c.754C>T (p.Arg252Trp) is novel (not in any individuals) in gnomAD. There is a moderate physicochemical difference between arginine and tryptophan. The gene MORC2 has a low rate of benign missense variation as indicated by a high missense variants Z-Score of 4.44. The gene MORC2 contains 33 pathogenic missense variants, indicating that missense variants are a common mechanism of disease in this gene. This variant has been reported to segregate with disease in affected family members and has been observed as de novo in unrelated individuals (PMID: 26497905, 26659848, 26912637, 27105987). Functional studies provide supportive evidence that this variant has a damaging effect on the gene or gene product (PMID: 29440755, 28581500). In silico prediction tools consistently predict a deleterious effect of this variant on protein function. Based on the above evidence, this variant is classified as Pathogenic according to ACMG guidelines. (PS2, PS3_Supporting, PM2_Supporting, PP1, PP2, PP3)

Labcorp Genetics (formerly Invitae), Labcorp
Classification: Pathogenic for Charcot-Marie-Tooth disease axonal type 2Z. Last evaluated: 2026-01-31. Review status: criteria provided, single submitter. Criteria: Invitae Variant Classification Sherloc (09022015). Collection method: clinical testing. Allele origin: germline.
Comment: This sequence change replaces arginine, which is basic and polar, with tryptophan, which is neutral and slightly polar, at codon 252 of the MORC2 protein (p.Arg252Trp). This variant is not present in population databases (gnomAD no frequency). This missense change has been observed in individual(s) with Charcot-Marie-Tooth disease, type 2 (CMT2) (PMID: 26497905, 26659848, 26912637, 27105987). In at least one individual the variant was observed to be de novo. It has also been observed to segregate with disease in related individuals. This variant is also known as p.Arg190Trp. ClinVar contains an entry for this variant (Variation ID: 218307). Invitae Evidence Modeling of protein sequence and biophysical properties (such as structural, functional, and spatial information, amino acid conservation, physicochemical variation, residue mobility, and thermodynamic stability) indicates that this missense variant is expected to disrupt MORC2 protein function with a positive predictive value of 95%. For these reasons, this variant has been classified as Pathogenic.

Clinical Biomedical Laboratory, Shriners Hospital For Children - Canada
Classification: Likely pathogenic for Charcot-Marie-Tooth disease axonal type 2Z. Last evaluated: 2025-10-05. Review status: criteria provided, single submitter. Criteria: ACMG Guidelines, 2015. Collection method: clinical testing. Allele origin: germline. Affected: yes.
Comment: This variant substitutes an arginine residue by a tryptophan residue. This variant is absent in the Genome Aggregation Database (v2.1.1). This variant has been reported in the literature (PMID: 26659848, 34059105) and has been characterized on the functional molecular level (PMID: 30624633). Variants in MORC2 are associated to an axonal form of Charcot-Marie-Tooth neuropathy type 2Z (PMID: 26659848, 34059105), which corresponds to the clinical diagnosis of the proband.

Mayo Clinic Laboratories, Mayo Clinic
Classification: Pathogenic. Last evaluated: 2025-03-04. Review status: criteria provided, single submitter. Criteria: ACMG Guidelines, 2015. Collection method: clinical testing. Allele origin: germline. Observed: 1 variant allele.
Comment: PP1_moderate, PP2, PP3, PM2_supporting, PM6, PS3_moderate, PS4

Clinical Omics and Informatics (COIN) Unit, Neuroscience Institute, University Of Cape Town
Classification: Pathogenic for Charcot-Marie-Tooth disease axonal type 2Z. Last evaluated: 2024-05-22. Review status: criteria provided, single submitter. Criteria: ACMG Guidelines, 2015. Collection method: research. Allele origin: germline. Inheritance: Autosomal dominant inheritance. Affected: yes. Observed: 1 variant allele, 1 heterozygote.
Comment: PM2_supporting: This variant is absent from gnomAD v4.0 (adequate coverage >20x confirmed) and an internal database of 1074 control alleles. PP2 met: missense Z-score is 3.23. PP1_strong: variant segregates with =5 informative meioses across =1 family. PP3 met: REVEL score is 0.70. PM1 met: variant occurs in the GHKL-type ATPase domain together with other pathogenic variants. PS3_supporting: functional studies provide supportive evidence that this variant has a damaging effect on the gene or gene product (PMID: 29440755, 28581500). PS4 met: variant identified in = 10 unrelated probands with consistent phenotype for disorder. Sequencing funded by the International Centre for Genomic Medicine in Neuromuscular Diseases (ICGNMD).

Institute of Immunology and Genetics Kaiserslautern
Classification: Likely pathogenic for Charcot-Marie-Tooth disease axonal type 2Z. Last evaluated: 2024-04-25. Review status: criteria provided, single submitter. Criteria: ACMG Guidelines, 2015. Collection method: clinical testing. Allele origin: germline. Affected: yes.
Comment: ACMG Criteria: PM2, PP3, PS3, PP5; Variant was found in heterozygous state

Blueprint Genetics
Classification: Pathogenic for MORC2-related disorders. Last evaluated: 2023-09-11. Review status: criteria provided, single submitter. Criteria: ACMG Guidelines, 2015. Collection method: clinical testing. Allele origin: germline. Affected: yes. Observed: 5 variant alleles.

Institute of Medical Genetics and Applied Genomics, University Hospital Tübingen
Classification: Pathogenic for Charcot-Marie-Tooth disease axonal type 2Z. Last evaluated: 2023-07-21. Review status: criteria provided, single submitter. Criteria: ACMG Guidelines, 2015. Collection method: clinical testing. Allele origin: germline. Inheritance: Autosomal dominant inheritance. Affected: yes.

Neurometabolic Diseases Laboratory, Bellvitge Biomedical Research Institute (IDIBELL)
Classification: Pathogenic for Developmental delay, impaired growth, dysmorphic facies, and axonal neuropathy. Last evaluated: 2023-04-27. Review status: criteria provided, single submitter. Criteria: ACMG Guidelines, 2015. Collection method: research. Allele origin: germline. Affected: yes.

3billion
Classification: Pathogenic for Charcot-Marie-Tooth disease axonal type 2Z. Last evaluated: 2023-02-23. Review status: criteria provided, single submitter. Criteria: ACMG Guidelines, 2015. Collection method: clinical testing. Allele origin: unknown. Affected: yes.
Comment: The variant is not observed in the gnomAD v2.1.1 dataset. Missense changes are a common disease-causing mechanism. In silico tool predictions suggest damaging effect of the variant on gene or gene product (REVEL: 0.70; 3Cnet: 0.67). Same nucleotide change resulting in same amino acid change has been previously reported as pathogenic/likely pathogenic with strong evidence (ClinVar ID: VCV000218307). The variant has been observed in multiple (>3) similarly affected unrelated individuals (PMID: 28771897). Therefore, this variant is classified as Pathogenic according to the recommendation of ACMG/AMP guideline.

GeneDx
Classification: Pathogenic. Last evaluated: 2022-04-22. Review status: criteria provided, single submitter. Criteria: GeneDx Variant Classification Process June 2021. Collection method: clinical testing. Allele origin: germline. Affected: yes.
Comment: Published functional studies demonstrate a damaging, gain-of-function effect (Tchasovnikarova et al., 2017; Douse et al., 2018); In silico analysis, which includes protein predictors and evolutionary conservation, supports a deleterious effect; Not observed at significant frequency in large population cohorts (gnomAD); This variant is associated with the following publications: (PMID: 26497905, 31372974, 27794525, 29440755, 28402445, 28334961, 7964809, 12601114, 27105987, 26659848, 27105897, 28251916, 28771897, 27329773, 30624633, 34059105, 33333791, 26912637, 28581500)

Kariminejad - Najmabadi Pathology & Genetics Center
Classification: Pathogenic for Charcot-Marie-Tooth disease axonal type 2Z. Last evaluated: 2021-12-09. Review status: criteria provided, single submitter. Criteria: ACMG Guidelines, 2015. Collection method: clinical testing. Allele origin: germline. Inheritance: Autosomal dominant inheritance. Affected: yes.
Comment: PS2_Very strong,PS4_Moderate, PM2

NM_001303256.3(MORC2):c.754C>T (p.Arg252Trp)

Gene: MORC2 (MORC family CW-type zinc finger 2; minus strand). Cytogenetic location: 22q12.2.
Variant type: single nucleotide variant.
Coding change: c.754C>T on transcript NM_001303256.3 (MANE Select); coding-DNA position 754, C replaced by T.
Protein change: p.Arg252Trp; replaces arginine 252 with tryptophan.
Molecular consequence: missense variant.
Genome position (GRCh38, 1-based): chr22:30,941,503, G>A on the plus strand (C>T on the coding strand, the complement: MORC2 is on the minus strand). VCF-style: chr22-30941503-G-A. GRCh37 (hg19) VCF-style: chr22-31337490-G-A.
Other names: NP_055756.1:p.Arg190Trp; chr22-30941503-G-A; c.754C>T, p.Arg252Trp (NM_001303257.2); c.568C>T, p.Arg190Trp (NM_014941.3); short protein forms R252W.
Identifiers: ClinVar variation 218307 (VCV000218307.115), dbSNP rs864309503, ClinGen allele CA249695.